The following is an entry in ClinVar:

NM_031924.8(RSPH3):c.701G>A (p.Arg234Gln)

Gene: RSPH3 (radial spoke head 3; minus strand). Cytogenetic location: 6q25.3.
Variant type: single nucleotide variant.
Coding change: c.701G>A on transcript NM_031924.8 (MANE Select); coding-DNA position 701, G replaced by A.
Protein change: p.Arg234Gln; replaces arginine 234 with glutamine.
Molecular consequence: missense variant. On other transcripts: non-coding transcript variant (1).
Genome position (GRCh38, 1-based): chr6:158,980,932, C>T on the plus strand (G>A on the coding strand, the complement: RSPH3 is on the minus strand). VCF-style: chr6-158980932-C-T. GRCh37 (hg19) VCF-style: chr6-159401964-C-T.
Other names: c.839G>A, p.Arg280Gln (NM_001346418.1); short protein forms R280Q, R234Q.
Identifiers: ClinVar variation 542470 (VCV000542470.12), dbSNP rs149769974, ClinGen allele CA4075837.

ClinVar aggregate classification (germline): Uncertain significance. Review status: criteria provided, multiple submitters, no conflicts (2 of 4 stars). 2 submissions from 2 submitters: Uncertain significance (2). Last evaluated 2025-09-11.

Conditions:
Primary ciliary dyskinesia 32. Also called: CILIARY DYSKINESIA, PRIMARY, 32, WITHOUT SITUS INVERSUS. Identifiers: Orphanet 244, MedGen C4225311, MONDO:0014657, OMIM 616481.
Inborn genetic diseases. Identifiers: MedGen C0950123, MeSH D030342.

Allele frequency attached by ClinVar (database versions not stated): gnomAD exomes 0.00002 and 0.00005; TOPMed 0.00003; ExAC 0.00004; gnomAD 0.00004 and 0.00005; ESP Exome Variant Server 0.00008; 1000 Genomes Project 30x 0.00016; 1000 Genomes Project 0.00020.
gnomAD v4.1: 40 of 1,613,878 alleles (0.0025%); highest among the groups gnomAD compares: African/African-American, 0.013%; no homozygotes.

Submissions (2):

Ambry Genetics
Classification: Uncertain significance for Inborn genetic diseases. Last evaluated: 2025-09-11. Review status: criteria provided, single submitter. Criteria: Ambry Variant Classification Scheme 2023. Collection method: clinical testing. Allele origin: germline.

Labcorp Genetics (formerly Invitae), Labcorp
Classification: Uncertain significance for Primary ciliary dyskinesia 32. Last evaluated: 2025-04-26. Review status: criteria provided, single submitter. Criteria: Invitae Variant Classification Sherloc (09022015). Collection method: clinical testing. Allele origin: germline.
Comment: This sequence change replaces arginine, which is basic and polar, with glutamine, which is neutral and polar, at codon 376 of the RSPH3 protein (p.Arg376Gln). This variant is present in population databases (rs149769974, gnomAD 0.01%). This variant has not been reported in the literature in individuals affected with RSPH3-related conditions. ClinVar contains an entry for this variant (Variation ID: 542470). An algorithm developed to predict the effect of missense changes on protein structure and function (PolyPhen-2) suggests that this variant is likely to be disruptive. In summary, the available evidence is currently insufficient to determine the role of this variant in disease. Therefore, it has been classified as a Variant of Uncertain Significance.